The following is an entry in ClinVar:

NM_000256.3(MYBPC3):c.3719T>A (p.Ile1240Asn)

Gene: MYBPC3 (myosin binding protein C3; minus strand). Cytogenetic location: 11p11.2.
Variant type: single nucleotide variant.
Coding change: c.3719T>A on transcript NM_000256.3 (MANE Select); coding-DNA position 3719, T replaced by A.
Protein change: p.Ile1240Asn; replaces isoleucine 1240 with asparagine.
Molecular consequence: missense variant.
Genome position (GRCh38, 1-based): chr11:47,332,167, A>T on the plus strand (T>A on the coding strand, the complement: MYBPC3 is on the minus strand). VCF-style: chr11-47332167-A-T. GRCh37 (hg19) VCF-style: chr11-47353718-A-T.
Other names: c.3719T>A, p.Ile1240Asn (LRG_386t1); short protein forms I1240N.
Identifiers: ClinVar variation 569606 (VCV000569606.8), dbSNP rs1565622348, ClinGen allele CA380311169.

ClinVar aggregate classification (germline): Uncertain significance. Review status: criteria provided, multiple submitters, no conflicts (2 of 4 stars). 2 submissions from 2 submitters: Uncertain significance (2). Last evaluated 2023-05-22.

Conditions:
Cardiomyopathy (CMYO). Also called: Cardiomyopathies. Identifiers: Orphanet 167848, MedGen C0878544, MONDO:0004994, HP:0001638. Inheritance: Various modes of inheritance.
Hypertrophic cardiomyopathy. Also called: HYPERTROPHIC MYOCARDIOPATHY. Identifiers: Orphanet 217569, MedGen C0007194, MeSH D002312, MONDO:0005045, HP:0001639.

Submissions (2):

Labcorp Genetics (formerly Invitae), Labcorp
Classification: Uncertain significance for Hypertrophic cardiomyopathy. Last evaluated: 2023-05-22. Review status: criteria provided, single submitter. Criteria: Invitae Variant Classification Sherloc (09022015). Collection method: clinical testing. Allele origin: germline.
Comment: This sequence change replaces isoleucine, which is neutral and non-polar, with asparagine, which is neutral and polar, at codon 1240 of the MYBPC3 protein (p.Ile1240Asn). This variant is not present in population databases (gnomAD no frequency). This missense change has been observed in individual(s) with hypertrophic cardiomyopathy (PMID: 28771489). ClinVar contains an entry for this variant (Variation ID: 569606). An algorithm developed to predict the effect of missense changes on protein structure and function (PolyPhen-2) suggests that this variant is likely to be disruptive. In summary, the available evidence is currently insufficient to determine the role of this variant in disease. Therefore, it has been classified as a Variant of Uncertain Significance.

CHEO Genetics Diagnostic Laboratory, Children's Hospital of Eastern Ontario
Classification: Uncertain significance for Cardiomyopathy. Last evaluated: 2018-04-23. Review status: criteria provided, single submitter. Criteria: ACMG Guidelines, 2015. Collection method: clinical testing. Allele origin: germline.

Literature cited by the submitters: PubMed 28771489 (cited by Labcorp Genetics (formerly Invitae), Labcorp).